The following is an entry in ClinVar:

NM_001267550.2(TTN):c.77348G>A (p.Arg25783Gln)

Genes: TTN (titin; minus strand), TTN-AS1 (TTN antisense RNA 1; plus strand). Cytogenetic location: 2q31.2.
Variant type: single nucleotide variant.
Coding change: c.77348G>A on transcript NM_001267550.2 (MANE Select); coding-DNA position 77348, G replaced by A.
Protein change: p.Arg25783Gln; replaces arginine 25783 with glutamine.
Molecular consequence: missense variant.
Genome position (GRCh38, 1-based): chr2:178,568,784, C>T on the plus strand (G>A on the coding strand, the complement: TTN is on the minus strand). VCF-style: chr2-178568784-C-T. GRCh37 (hg19) VCF-style: chr2-179433511-C-T.
Other names: p.Arg24142Gln; c.72425G>A, p.Arg24142Gln (NM_001256850.1); c.50153G>A, p.Arg16718Gln (NM_003319.4); c.69644G>A, p.Arg23215Gln (NM_133378.4); c.50528G>A, p.Arg16843Gln (NM_133432.3); c.50729G>A, p.Arg16910Gln (NM_133437.4); short protein forms R16910Q, R24142Q, R16843Q, R16718Q, R25783Q, R23215Q.
Identifiers: ClinVar variation 805727 (VCV000805727.6), dbSNP rs777428147, ClinGen allele CA1989787.

ClinVar aggregate classification (germline): Uncertain significance. Review status: criteria provided, multiple submitters, no conflicts (2 of 4 stars). 4 submissions from 4 submitters: Uncertain significance (4). Last evaluated 2026-07-15.

Conditions:
TTN-related disorder. Also called: TTN-related disorders; TTN-related condition; TTN-related disease.

Allele frequency attached by ClinVar (database versions not stated): ExAC 0.00003; gnomAD 0.00003 and 0.00005; TOPMed 0.00003; gnomAD exomes 0.00004 and 0.00006.
gnomAD v4.1: 66 of 1,612,694 alleles (0.0041%); highest among the groups gnomAD compares: East Asian, 0.0067%; no homozygotes.

Submissions (4):

PreventionGenetics, part of Exact Sciences
Classification: Uncertain significance for TTN-related condition. Last evaluated: 2026-07-15. Review status: criteria provided, single submitter. Criteria: ACMG Guidelines, 2015. Collection method: clinical testing. Allele origin: germline.
Comment: The TTN c.77348G>A variant is predicted to result in the amino acid substitution p.Arg25783Gln. To our knowledge, this variant has not been reported in the literature. This variant is reported in 0.013% of alleles in individuals of South Asian descent in gnomAD. At this time, the clinical significance of this variant is uncertain due to the absence of conclusive functional and genetic evidence.

Mayo Clinic Laboratories, Mayo Clinic
Classification: Uncertain significance. Last evaluated: 2024-06-06. Review status: criteria provided, single submitter. Criteria: ACMG Guidelines, 2015. Collection method: clinical testing. Allele origin: germline. Observed: 1 variant allele.

Revvity Omics, Revvity
Classification: Uncertain significance. Last evaluated: 2021-01-06. Review status: criteria provided, single submitter. Criteria: ACMG Guidelines, 2015. Collection method: clinical testing. Allele origin: germline.

Athena Diagnostics
Classification: Uncertain significance. Last evaluated: 2018-12-31. Review status: criteria provided, single submitter. Criteria: Athena Diagnostics Criteria. Collection method: clinical testing. Allele origin: germline.